The following is an entry in ClinVar:

ClinVar aggregate classification (germline): Likely benign. Review status: criteria provided, multiple submitters, no conflicts (2 of 4 stars). 2 submissions from 2 submitters: Likely benign (2). Last evaluated 2025-12-16.

Allele frequency attached by ClinVar (database versions not stated): TOPMed 0.00005; ExAC 0.00006; gnomAD exomes 0.00006; gnomAD 0.00010.
gnomAD v4.1: 108 of 1,613,374 alleles (0.0067%); highest among the groups gnomAD compares: Non-Finnish European, 0.0081%; no homozygotes.

Submissions (2):

Labcorp Genetics (formerly Invitae), Labcorp
Classification: Likely benign. Last evaluated: 2025-12-16. Review status: criteria provided, single submitter. Criteria: Invitae Variant Classification Sherloc (09022015). Collection method: clinical testing. Allele origin: germline.

CeGaT Center for Human Genetics Tuebingen
Classification: Likely benign. Last evaluated: 2024-06-01. Review status: criteria provided, single submitter. Criteria: CeGaT Center For Human Genetics Tuebingen Variant Classification Criteria Version 2. Collection method: clinical testing. Allele origin: germline. Affected: yes. Observed: 2 variant alleles.
Comment: CIT: BP4, BP7

NM_001206999.2(CIT):c.2058C>T (p.Ile686=)

Gene: CIT (citron rho-interacting serine/threonine kinase; minus strand). Cytogenetic location: 12q24.23.
Variant type: single nucleotide variant.
Coding change: c.2058C>T on transcript NM_001206999.2 (MANE Select); coding-DNA position 2058, C replaced by T.
Protein change: p.Ile686=; no amino-acid change (isoleucine 686 retained).
Molecular consequence: synonymous variant.
Genome position (GRCh38, 1-based): chr12:119,772,794, G>A on the plus strand (C>T on the coding strand, the complement: CIT is on the minus strand). VCF-style: chr12-119772794-G-A. GRCh37 (hg19) VCF-style: chr12-120210598-G-A.
Other names: c.2058C>T, p.Ile686= (NM_007174.3).
Identifiers: ClinVar variation 1694679 (VCV001694679.36), dbSNP rs749543507, ClinGen allele CA6821893.